The following is an entry in ClinVar:

ClinVar aggregate classification (germline): Uncertain significance (1 of 4 stars; one submission).

Submission:

Greenwood Genetic Center Diagnostic Laboratories, Greenwood Genetic Center
Classification: Uncertain significance. Last evaluated: 2025-04-21. Review status: criteria provided, single submitter. Criteria: ACMG Guidelines, 2015. Collection method: clinical testing. Allele origin: germline. Affected: yes.
Comment: PM2

NM_033641.4(COL4A6):c.2720C>T (p.Pro907Leu)

Gene: COL4A6 (collagen type IV alpha 6 chain; minus strand). Cytogenetic location: Xq22.3.
Variant type: single nucleotide variant.
Coding change: c.2720C>T on transcript NM_033641.4 (MANE Select); coding-DNA position 2720, C replaced by T.
Protein change: p.Pro907Leu; replaces proline 907 with leucine.
Molecular consequence: missense variant.
Genome position (GRCh38, 1-based): chrX:108,175,764, G>A on the plus strand (C>T on the coding strand, the complement: COL4A6 is on the minus strand). VCF-style: chrX-108175764-G-A. GRCh37 (hg19) VCF-style: chrX-107418994-G-A.
Other names: c.2771C>T, p.Pro924Leu (NM_001287758.2); c.2720C>T, p.Pro907Leu (NM_001287759.2, NM_001287760.2, NM_001440760.1); c.2723C>T, p.Pro908Leu (NM_001440759.1, NM_001847.4); short protein forms P907L, P908L, P924L.
Identifiers: ClinVar variation 4538373 (VCV004538373.1).